The following is an entry in ClinVar:

ClinVar aggregate classification (germline): Pathogenic (0 of 4 stars; one submission).

Conditions:
Pulmonary hypertension, primary, 1 (PPH1). Also called: Pulmonary hypertension, familial primary, 1, with or without HHT. Identifiers: Orphanet 422, MedGen C4552070, MONDO:0024533, OMIM 178600.

Submission:

Rare Disease Genomics Group, St George's University of London
Classification: Pathogenic for Primary pulmonary hypertension. Review status: no assertion criteria provided. Collection method: literature only. Allele origin: germline. Affected: yes.
Comment: Deletion of exons 2-13

Literature cited by the submitters: PubMed 16728714.

NM_001204.6(BMPR2):c.(76+1_77-1)_(*1_?)del

Genes: BMPR2 (bone morphogenetic protein receptor type 2; plus strand), LOC129935435 (ATAC-STARR-seq lymphoblastoid active region 17001; plus strand), LOC129935436 (ATAC-STARR-seq lymphoblastoid silent region 12245; plus strand). Cytogenetic location: 2q33.1-33.2.
Variant type: Deletion.
Coding change: c.(76+1_77-1)_(*1_?)del on transcript NM_001204.6; a large deletion whose breakpoints are not mapped to the base.
Other names: c.77-?_3117+?del (NM_001204.6).
Identifiers: ClinVar variation 425698 (VCV000425698.1).